The following is an entry in ClinVar:

NM_007294.4(BRCA1):c.4234G>T (p.Ala1412Ser)

Gene: BRCA1 (BRCA1 DNA repair associated; minus strand). Cytogenetic location: 17q21.31.
Variant type: single nucleotide variant.
Coding change: c.4234G>T on transcript NM_007294.4 (MANE Select); coding-DNA position 4234, G replaced by T.
Protein change: p.Ala1412Ser; replaces alanine 1412 with serine.
Molecular consequence: missense variant. On other transcripts: non-coding transcript variant (1).
Genome position (GRCh38, 1-based): chr17:43,082,527, C>A on the plus strand (G>T on the coding strand, the complement: BRCA1 is on the minus strand). VCF-style: chr17-43082527-C-A. GRCh37 (hg19) VCF-style: chr17-41234544-C-A.
Other names: c.4231G>T, p.Ala1411Ser (NM_001407633.1, NM_001407634.1, NM_001407636.1 and 21 more transcripts); c.784G>T, p.Ala262Ser (NM_001408454.1, NM_001408456.1, NM_001408458.1 and 8 more transcripts); c.3970G>T, p.Ala1324Ser (NM_001407924.1, NM_001407925.1, NM_001407926.1 and 7 more transcripts); c.3967G>T, p.Ala1323Ser (NM_001407930.1, NM_001407931.1, NM_001407932.1 and 3 more transcripts); c.3964G>T, p.Ala1322Ser (NM_001407934.1); c.4111G>T, p.Ala1371Ser (NM_001407937.1, NM_001407938.1, NM_001407939.1 and 13 more transcripts); c.4108G>T, p.Ala1370Ser (NM_001407940.1, NM_001407941.1, NM_001407649.1 and 12 more transcripts); c.4093G>T, p.Ala1365Ser (NM_001407942.1, NM_001407944.1, NM_001407945.1 and 23 more transcripts); and 51 more; short protein forms A1412S, A1365S, A309S, A1243S, A1285S, A1301S, A1324S, A1344S.
Identifiers: ClinVar variation 489722 (VCV000489722.9), dbSNP rs765183110, ClinGen allele CA10593251.
Genomic context (GRCh38, chr17:43,082,527, plus strand): 5'-TGGAAGGGTAGCTGTTAGAAGGCTGGCTCCCATGCTGTTCTAACACAGCTTCTAGTTCAG[C>A]CATTTCCTGCTGGAGCTTTATCAGGTTATGTTGCATGGTATCCCTCTGCTTCAAAAACGA-3'
Protein context (NP_009225.1, residues 1402-1422): HNLIKLQQEM[Ala1412Ser]ELEAVLEQHG

ClinVar aggregate classification (germline): Uncertain significance. Review status: criteria provided, multiple submitters, no conflicts (2 of 4 stars). 3 submissions from 3 submitters: Uncertain significance (3). Last evaluated 2025-05-12.

Conditions:
Hereditary breast ovarian cancer syndrome. Also called: Breast and ovarian cancer; Hereditary breast and/or ovarian cancer syndrome; Hereditary breast and ovarian cancer; Hereditary breast and ovarian cancer syndrome (HBOC); BRCA1- and BRCA2-Associated Hereditary Breast and Ovarian Cancer; Hereditary breast and ovarian cancer syndrome. Identifiers: Orphanet 145, MedGen C0677776, MeSH D061325, MONDO:0003582. Disease mechanism: loss of function.
Hereditary cancer-predisposing syndrome. Also called: Hereditary Cancer Syndrome; Neoplastic Syndromes, Hereditary; Tumor predisposition; Hereditary neoplastic syndrome. Identifiers: Orphanet 140162, MedGen C0027672, MeSH D009386, MONDO:0015356.

Submissions (3):

Ambry Genetics
Classification: Uncertain significance for Hereditary cancer-predisposing syndrome. Last evaluated: 2025-05-12. Review status: criteria provided, single submitter. Criteria: Ambry Variant Classification Scheme 2023. Collection method: clinical testing. Allele origin: germline.
Comment: The p.A1412S variant (also known as c.4234G>T), located in coding exon 11 of the BRCA1 gene, results from a G to T substitution at nucleotide position 4234. The alanine at codon 1412 is replaced by serine, an amino acid with similar properties. This amino acid position is well conserved in available vertebrate species. In addition, the in silico prediction for this alteration is inconclusive. Based on the available evidence, the clinical significance of this variant remains unclear.

Labcorp Genetics (formerly Invitae), Labcorp
Classification: Uncertain significance for Hereditary breast ovarian cancer syndrome. Last evaluated: 2024-06-17. Review status: criteria provided, single submitter. Criteria: Invitae Variant Classification Sherloc (09022015). Collection method: clinical testing. Allele origin: germline.
Comment: This sequence change replaces alanine, which is neutral and non-polar, with serine, which is neutral and polar, at codon 1412 of the BRCA1 protein (p.Ala1412Ser). This variant is not present in population databases (gnomAD no frequency). This variant has not been reported in the literature in individuals affected with BRCA1-related conditions. ClinVar contains an entry for this variant (Variation ID: 489722). Advanced modeling of protein sequence and biophysical properties (such as structural, functional, and spatial information, amino acid conservation, physicochemical variation, residue mobility, and thermodynamic stability) performed at Invitae indicates that this missense variant is not expected to disrupt BRCA1 protein function with a negative predictive value of 95%. In summary, the available evidence is currently insufficient to determine the role of this variant in disease. Therefore, it has been classified as a Variant of Uncertain Significance.

Color Diagnostics, LLC DBA Color Health
Classification: Uncertain significance for Hereditary cancer-predisposing syndrome. Last evaluated: 2019-03-08. Review status: criteria provided, single submitter. Criteria: ACMG Guidelines, 2015. Collection method: clinical testing. Allele origin: germline.